The following is an entry in ClinVar:

ClinVar aggregate classification (germline): Uncertain significance. Review status: criteria provided, multiple submitters, no conflicts (2 of 4 stars). 2 submissions from 2 submitters: Uncertain significance (2). Last evaluated 2025-07-22.

Conditions:
Inborn genetic diseases. Identifiers: MedGen C0950123, MeSH D030342.
Fanconi anemia (FA). Also called: Fanconi's anemia. Identifiers: Orphanet 84, MedGen C0015625, MeSH D005199, MONDO:0019391.

Submissions (2):

Ambry Genetics
Classification: Uncertain significance for Inborn genetic diseases. Last evaluated: 2025-07-22. Review status: criteria provided, single submitter. Criteria: Ambry Variant Classification Scheme 2023. Collection method: clinical testing. Allele origin: germline.
Comment: The p.T306K variant (also known as c.917C>A), located in coding exon 11 of the FANCA gene, results from a C to A substitution at nucleotide position 917. The threonine at codon 306 is replaced by lysine, an amino acid with similar properties. This amino acid position is conserved. In addition, this alteration is predicted to be tolerated by in silico analysis. Based on the available evidence, the clinical significance of this variant remains unclear.

Labcorp Genetics (formerly Invitae), Labcorp
Classification: Uncertain significance for Fanconi anemia. Last evaluated: 2020-12-07. Review status: criteria provided, single submitter. Criteria: Invitae Variant Classification Sherloc (09022015). Collection method: clinical testing. Allele origin: germline.
Comment: This sequence change replaces threonine with lysine at codon 306 of the FANCA protein (p.Thr306Lys). The threonine residue is weakly conserved and there is a moderate physicochemical difference between threonine and lysine. In summary, the available evidence is currently insufficient to determine the role of this variant in disease. Therefore, it has been classified as a Variant of Uncertain Significance. Advanced modeling of protein sequence and biophysical properties (such as structural, functional, and spatial information, amino acid conservation, physicochemical variation, residue mobility, and thermodynamic stability) performed at Invitae indicates that this missense variant is not expected to disrupt FANCA protein function. This variant has not been reported in the literature in individuals with FANCA-related conditions. This variant is not present in population databases (ExAC no frequency).

NM_000135.4(FANCA):c.917C>A (p.Thr306Lys)

Gene: FANCA (FA complementation group A; minus strand). Cytogenetic location: 16q24.3.
Variant type: single nucleotide variant.
Coding change: c.917C>A on transcript NM_000135.4 (MANE Select); coding-DNA position 917, C replaced by A.
Protein change: p.Thr306Lys; replaces threonine 306 with lysine.
Molecular consequence: missense variant.
Genome position (GRCh38, 1-based): chr16:89,795,995, G>T on the plus strand (C>A on the coding strand, the complement: FANCA is on the minus strand). VCF-style: chr16-89795995-G-T. GRCh37 (hg19) VCF-style: chr16-89862403-G-T.
Other names: c.917C>A, p.Thr306Lys (NM_001286167.3); c.917C>A (NM_000135.2); short protein forms T306K.
Identifiers: ClinVar variation 1506541 (VCV001506541.9), dbSNP rs370852532, ClinGen allele CA397470314.